The following is an entry in ClinVar:

ClinVar aggregate classification (germline): Uncertain significance (1 of 4 stars; one submission).

Submission:

GeneDx
Classification: Uncertain significance. Last evaluated: 2024-05-16. Review status: criteria provided, single submitter. Criteria: GeneDx Variant Classification Process June 2021. Collection method: clinical testing. Allele origin: germline. Affected: yes.
Comment: Not observed at significant frequency in large population cohorts (gnomAD); In silico analysis supports that this missense variant has a deleterious effect on protein structure/function; Has not been previously published as pathogenic or benign to our knowledge

NM_017780.4(CHD7):c.4418T>C (p.Met1473Thr)

Gene: CHD7 (chromodomain helicase DNA binding protein 7; plus strand). Cytogenetic location: 8q12.2.
Variant type: single nucleotide variant.
Coding change: c.4418T>C on transcript NM_017780.4 (MANE Select); coding-DNA position 4418, T replaced by C.
Protein change: p.Met1473Thr; replaces methionine 1473 with threonine.
Molecular consequence: missense variant. On other transcripts: intron variant (1).
Genome position (GRCh38, 1-based): chr8:60,838,140, T>C. VCF-style: chr8-60838140-T-C. GRCh37 (hg19) VCF-style: chr8-61750699-T-C.
Other names: c.1717-24089T>C (NM_001316690.1); short protein forms M1473T.
Identifiers: ClinVar variation 3377842 (VCV003377842.1).